The following is an entry in ClinVar:

NM_052947.4(ALPK2):c.3110A>T (p.Glu1037Val)

Gene: ALPK2 (alpha kinase 2; minus strand). Cytogenetic location: 18q21.31.
Variant type: single nucleotide variant.
Coding change: c.3110A>T on transcript NM_052947.4 (MANE Select); coding-DNA position 3110, A replaced by T.
Protein change: p.Glu1037Val; replaces glutamic acid 1037 with valine.
Molecular consequence: missense variant.
Genome position (GRCh38, 1-based): chr18:58,537,077, T>A on the plus strand (A>T on the coding strand, the complement: ALPK2 is on the minus strand). VCF-style: chr18-58537077-T-A. GRCh37 (hg19) VCF-style: chr18-56204309-T-A.
Other names: short protein forms E1037V.
Identifiers: ClinVar variation 3228673 (VCV003228673.1), dbSNP rs2518876886, ClinGen allele CA402569084.
Genomic context (GRCh38, chr18:58,537,077, plus strand): 5'-AACTGCACTTGGGAAGGAAATTGGGAAACCTTTTCATGGGATGCACGAGGGAACCTCTCC[T>A]CAGTGCCACCTGCATGCTTGTCCTCAGGAATTGACACAGCAAGGTATTTGGCTGGGTGGA-3'
Protein context (NP_443179.3, residues 1027-1047): IPEDKHAGGT[Glu1037Val]ERFPRASHEK

ClinVar aggregate classification (germline): Uncertain significance (1 of 4 stars; one submission).

Submission:

Ambry Genetics
Classification: Uncertain significance. Last evaluated: 2023-09-15. Review status: criteria provided, single submitter. Criteria: Ambry Variant Classification Scheme 2023. Collection method: clinical testing. Allele origin: germline.
Comment: The p.E1037V variant (also known as c.3110A>T), located in coding exon 4 of the ALPK2 gene, results from an A to T substitution at nucleotide position 3110. The glutamic acid at codon 1037 is replaced by valine, an amino acid with dissimilar properties. This amino acid position is conserved. In addition, this alteration is predicted to be tolerated by in silico analysis. Since supporting evidence is limited at this time, the clinical significance of this alteration remains unclear.